The following is an entry in ClinVar:

NM_000540.3(RYR1):c.6311G>A (p.Arg2104His)

Gene: RYR1 (ryanodine receptor 1; plus strand). Cytogenetic location: 19q13.2.
Variant type: single nucleotide variant.
Coding change: c.6311G>A on transcript NM_000540.3 (MANE Select); coding-DNA position 6311, G replaced by A.
Protein change: p.Arg2104His; replaces arginine 2104 with histidine.
Molecular consequence: missense variant.
Genome position (GRCh38, 1-based): chr19:38,494,388, G>A. VCF-style: chr19-38494388-G-A. GRCh37 (hg19) VCF-style: chr19-38985028-G-A.
Other names: c.6311G>A, p.Arg2104His (NM_001042723.2); c.6311G>A (NM_000540.2); short protein forms R2104H.
Identifiers: ClinVar variation 1472165 (VCV001472165.37), dbSNP rs745319881, ClinGen allele CA068033.

ClinVar aggregate classification (germline): Uncertain significance. Review status: criteria provided, multiple submitters, no conflicts (2 of 4 stars). 6 submissions from 6 submitters: Uncertain significance (5). 1 of the submissions does not count toward it. Last evaluated 2024-01-17.

Conditions:
RYR1-related disorder. Also called: RYR1-related disorders; RYR1-related condition. Identifiers: MedGen CN239331.
Malignant hyperthermia, susceptibility to, 1 (MHS1). Also called: RYR1-Related Malignant Hyperthermia Susceptibility; Anesthesia related hyperthermia; Malignant hyperpyrexia; Fulminating hyperpyrexia; Pharmacogenic myopathy; Malignant hyperthermia suceptibility 1. Identifiers: Orphanet 423, MedGen C2930980, MONDO:0007783, OMIM 145600.

Allele frequency attached by ClinVar (database versions not stated): ExAC 0.00001; gnomAD 0.00001; gnomAD exomes 0.00001 and 0.00002; TOPMed 0.00001.
gnomAD v4.1: 10 of 1,611,580 alleles (0.00062%); highest among the groups gnomAD compares: Admixed American, 0.01%; no homozygotes.

Submissions (6):

Labcorp Genetics (formerly Invitae), Labcorp
Classification: Uncertain significance for RYR1-related disorder. Last evaluated: 2024-01-17. Review status: criteria provided, single submitter. Criteria: Invitae Variant Classification Sherloc (09022015). Collection method: clinical testing. Allele origin: germline.
Comment: This sequence change replaces arginine, which is basic and polar, with histidine, which is basic and polar, at codon 2104 of the RYR1 protein (p.Arg2104His). This variant is present in population databases (rs745319881, gnomAD 0.02%). This variant has not been reported in the literature in individuals affected with RYR1-related conditions. ClinVar contains an entry for this variant (Variation ID: 1472165). Advanced modeling of protein sequence and biophysical properties (such as structural, functional, and spatial information, amino acid conservation, physicochemical variation, residue mobility, and thermodynamic stability) performed at Invitae indicates that this missense variant is not expected to disrupt RYR1 protein function with a negative predictive value of 95%. In summary, the available evidence is currently insufficient to determine the role of this variant in disease. Therefore, it has been classified as a Variant of Uncertain Significance.

All of Us Research Program, National Institutes of Health
Classification: Uncertain significance for Malignant hyperthermia, susceptibility to, 1. Last evaluated: 2023-12-18. Review status: criteria provided, single submitter. Criteria: ACMG Guidelines, 2015. Collection method: clinical testing. Allele origin: germline. Inheritance: Autosomal dominant inheritance. Observed: 3 variant alleles, 3 heterozygotes.
Comment: This missense variant replaces arginine with histidine at codon 2104 of the RYR1 protein. Computational prediction suggests that this variant may not impact protein structure and function (internally defined REVEL score threshold <= 0.6, PMID: 27666373). To our knowledge, functional studies have not been reported for this variant. This variant has not been reported in individuals affected with RYR1-related disorders in the literature. This variant has been identified in 6/248214 chromosomes in the general population by the Genome Aggregation Database (gnomAD). The available evidence is insufficient to determine the role of this variant in disease conclusively. Therefore, this variant is classified as a Variant of Uncertain Significance.

This study involves interpretation of variants in research participants for the purpose of population health screening. Participant phenotype was not available at the time of variant classification. Additional details can be found in publication PMID: 35346344, PMCID: PMC8962531

CeGaT Center for Human Genetics Tuebingen
Classification: Uncertain significance. Last evaluated: 2023-02-01. Review status: criteria provided, single submitter. Criteria: CeGaT Center For Human Genetics Tuebingen Variant Classification Criteria Version 2. Collection method: clinical testing. Allele origin: germline. Affected: yes. Observed: 1 variant allele.
Comment: RYR1: PM2

Athena Diagnostics
Classification: Uncertain significance. Last evaluated: 2022-12-07. Review status: criteria provided, single submitter. Criteria: Athena Diagnostics Criteria. Collection method: clinical testing. Allele origin: unknown.
Comment: Available data are insufficient to determine the clinical significance of the variant at this time. The frequency of this variant in the general population is uninformative in assessment of its pathogenicity. Computational tools predict that this variant is not damaging.

Revvity Omics, Revvity
Classification: Uncertain significance. Last evaluated: 2020-06-19. Review status: criteria provided, single submitter. Criteria: ACMG Guidelines, 2015. Collection method: clinical testing. Allele origin: germline.

PreventionGenetics, part of Exact Sciences
Classification: Uncertain significance for RYR1-related condition. Last evaluated: 2024-01-02. Review status: no assertion criteria provided. Collection method: clinical testing. Allele origin: germline. Not counted in ClinVar's aggregate classification.
Comment: The RYR1 c.6311G>A variant is predicted to result in the amino acid substitution p.Arg2104His. To our knowledge, this variant has not been reported in the literature. This variant is reported in 0.017% of alleles in individuals of Latino descent in gnomAD. At this time, the clinical significance of this variant is uncertain due to the absence of conclusive functional and genetic evidence.